The following is an entry in ClinVar:

ClinVar aggregate classification (germline): Uncertain significance (1 of 4 stars; one submission).

Submission:

Quest Diagnostics Nichols Institute San Juan Capistrano
Classification: Uncertain significance. Last evaluated: 2024-05-15. Review status: criteria provided, single submitter. Criteria: Quest Diagnostics criteria. Collection method: clinical testing. Allele origin: unknown.
Comment: The HBB c.332T>A (p.Leu111Gln) variant has not been reported in individuals with HBB-related conditions in the published literature. It also has not been reported in large, multi-ethnic general populations (Genome Aggregation Database). Analysis of this variant using bioinformatics tools for the prediction of the effect of amino acid changes on protein structure and function yielded predictions that this variant is damaging. Based on the available information, we are unable to determine the clinical significance of this variant.

NM_000518.5(HBB):c.332T>A (p.Leu111Gln)

Genes: HBB (hemoglobin subunit beta; minus strand), LOC107133510 (origin of replication at HBB; plus strand), LOC110006319 (beta-globin gene 3' regulatory region; plus strand). Cytogenetic location: 11p15.4.
Variant type: single nucleotide variant.
Coding change: c.332T>A on transcript NM_000518.5 (MANE Select); coding-DNA position 332, T replaced by A.
Protein change: p.Leu111Gln; replaces leucine 111 with glutamine.
Molecular consequence: missense variant.
Genome position (GRCh38, 1-based): chr11:5,225,710, A>T on the plus strand (T>A on the coding strand, the complement: HBB is on the minus strand). VCF-style: chr11-5225710-A-T. GRCh37 (hg19) VCF-style: chr11-5246940-A-T.
Other names: short protein forms L111Q.
Identifiers: ClinVar variation 3572118 (VCV003572118.1).
Genomic context (GRCh38, chr11:5,225,710, plus strand): 5'-TAGGCAGCCTGCACTGGTGGGGTGAATTCTTTGCCAAAGTGATGGGCCAGCACACAGACC[A>T]GCACGTTGCCCAGGAGCTGTGGGAGGAAGATAAGAGGTATGAACATGATTAGCAAAAGGG-3'
Protein context (NP_000509.1, residues 101-121): PENFRLLGNV[Leu111Gln]VCVLAHHFGK